The following is an entry in ClinVar:

ClinVar aggregate classification (germline): Uncertain significance. Review status: criteria provided, multiple submitters, no conflicts (2 of 4 stars). 3 submissions from 3 submitters: Uncertain significance (3). Last evaluated 2023-09-24.

Conditions:
Glycogen storage disease, type II (IOPD). Also called: Glycogen storage disease type 2; Acid maltase deficiency disease; Aglucosidase alfa; Deficiency of alpha-glucosidase; Deficiency of lysosomal alpha-glucosidase; CARDIOMEGALIA GLYCOGENICA DIFFUSA. Identifiers: Orphanet 365, MedGen C0017921, MONDO:0009290, OMIM 232300.

Allele frequency attached by ClinVar (database versions not stated): gnomAD exomes below 0.00001; ExAC 0.00001; TOPMed 0.00001.

Submissions (3):

Revvity Omics, Revvity
Classification: Uncertain significance. Last evaluated: 2023-09-24. Review status: criteria provided, single submitter. Criteria: ACMG Guidelines, 2015. Collection method: clinical testing. Allele origin: germline.

Fulgent Genetics
Classification: Uncertain significance for Glycogen storage disease, type II. Last evaluated: 2021-12-27. Review status: criteria provided, single submitter. Criteria: ACMG Guidelines, 2015. Collection method: clinical testing. Allele origin: unknown.

Labcorp Genetics (formerly Invitae), Labcorp
Classification: Uncertain significance for Glycogen storage disease, type II. Last evaluated: 2021-10-14. Review status: criteria provided, single submitter. Criteria: Invitae Variant Classification Sherloc (09022015). Collection method: clinical testing. Allele origin: germline.
Comment: This sequence change replaces glutamine with arginine at codon 553 of the GAA protein (p.Gln553Arg). The glutamine residue is weakly conserved and there is a small physicochemical difference between glutamine and arginine. This variant is present in population databases (rs746401921, ExAC 0.01%). This variant has not been reported in the literature in individuals affected with GAA-related conditions. Advanced modeling of protein sequence and biophysical properties (such as structural, functional, and spatial information, amino acid conservation, physicochemical variation, residue mobility, and thermodynamic stability) performed at Invitae indicates that this missense variant is not expected to disrupt GAA protein function. In summary, the available evidence is currently insufficient to determine the role of this variant in disease. Therefore, it has been classified as a Variant of Uncertain Significance.

NM_000152.5(GAA):c.1658A>G (p.Gln553Arg)

Gene: GAA (alpha glucosidase; plus strand). Cytogenetic location: 17q25.3.
Variant type: single nucleotide variant.
Coding change: c.1658A>G on transcript NM_000152.5 (MANE Select); coding-DNA position 1658, A replaced by G.
Protein change: p.Gln553Arg; replaces glutamine 553 with arginine.
Molecular consequence: missense variant.
Genome position (GRCh38, 1-based): chr17:80,112,004, A>G. VCF-style: chr17-80112004-A-G. GRCh37 (hg19) VCF-style: chr17-78085803-A-G.
Other names: c.1658A>G, p.Gln553Arg (NM_001079803.3, NM_001079804.3); short protein forms Q553R.
Identifiers: ClinVar variation 1422886 (VCV001422886.7), dbSNP rs746401921, ClinGen allele CA8815430.